The following is an entry in ClinVar:

NM_000368.5(TSC1):c.2913del (p.Asp972fs)

Gene: TSC1 (TSC complex subunit 1; minus strand). Cytogenetic location: 9q34.13.
Variant type: Deletion.
Coding change: c.2913del on transcript NM_000368.5 (MANE Select); coding-DNA position 2913, one base deleted (A; older notation c.2913delA).
Protein change: p.Asp972fs; shifts the reading frame from aspartic acid 972.
Molecular consequence: frameshift variant. On other transcripts: non-coding transcript variant (5).
Genome position (GRCh38, 1-based): chr9:132,897,246, T deleted on the plus strand (A on the coding strand, the reverse complement: TSC1 is on the minus strand); the first of 3 consecutive T bases (chr9:132,897,246-132,897,248); deleting any one gives the same sequence. VCF-style (leftmost placement, unchanged base first): chr9-132897245-CT-C. GRCh37 (hg19) VCF-style: chr9-135772632-CT-C.
Other names: c.2913del, p.Asp972fs (NM_001406592.1, NM_001406593.1, NM_001406594.1 and 2 more transcripts); c.2910del, p.Asp971fs (NM_001406597.1, NM_001406598.1, NM_001406599.1 and 2 more transcripts); c.2898del, p.Asp967fs (NM_001406601.1, NM_001406602.1); c.1860del, p.Asp621fs (NM_001406629.1, NM_001406630.1); c.2760del, p.Asp921fs (NM_001162427.2, NM_001406610.1); c.2550del, p.Asp851fs (NM_001362177.2, NM_001406614.1, NM_001406615.1 and 4 more transcripts); c.2895del, p.Asp966fs (NM_001406603.1, NM_001406604.1); c.2871del, p.Asp958fs (NM_001406605.1, NM_001406606.1, NM_001406607.1); and 8 more; short protein forms D850fs, D966fs, D967fs, D971fs, D836fs, D851fs, D906fs, D654fs.
Identifiers: ClinVar variation 2758098 (VCV002758098.3), dbSNP rs2538477691, ClinGen allele CA2697558132.

ClinVar aggregate classification (germline): Pathogenic (1 of 4 stars; one submission).

Conditions:
Tuberous sclerosis 1 (TSC1). Identifiers: Orphanet 805, MedGen C1854465, MONDO:0008612, OMIM 191100.

Submission:

Labcorp Genetics (formerly Invitae), Labcorp
Classification: Pathogenic for Tuberous sclerosis 1. Last evaluated: 2023-09-05. Review status: criteria provided, single submitter. Criteria: Invitae Variant Classification Sherloc (09022015). Collection method: clinical testing. Allele origin: germline.
Comment: For these reasons, this variant has been classified as Pathogenic. This variant has not been reported in the literature in individuals affected with TSC1-related conditions. This variant is not present in population databases (gnomAD no frequency). This sequence change creates a premature translational stop signal (p.Asp972Metfs*4) in the TSC1 gene. It is expected to result in an absent or disrupted protein product. Loss-of-function variants in TSC1 are known to be pathogenic (PMID: 10227394, 17304050).

Literature cited by the submitters: PubMed 10227394; PubMed 17304050.